The following is an entry in ClinVar:

ClinVar aggregate classification (germline): Uncertain significance (1 of 4 stars; one submission).

Submission:

Ambry Genetics
Classification: Uncertain significance. Last evaluated: 2025-03-02. Review status: criteria provided, single submitter. Criteria: Ambry Variant Classification Scheme 2023. Collection method: clinical testing. Allele origin: germline.
Comment: The p.M1189T variant (also known as c.3566T>C), located in coding exon 4 of the MLH3 gene, results from a T to C substitution at nucleotide position 3566. The methionine at codon 1189 is replaced by threonine, an amino acid with similar properties. This amino acid position is conserved. In addition, the in silico prediction for this alteration is inconclusive. Based on the available evidence, the clinical significance of this variant remains unclear.

NM_001040108.2(MLH3):c.3566T>C (p.Met1189Thr)

Gene: MLH3 (mutL homolog 3; minus strand). Cytogenetic location: 14q24.3.
Variant type: single nucleotide variant.
Coding change: c.3566T>C on transcript NM_001040108.2 (MANE Select); coding-DNA position 3566, T replaced by C.
Protein change: p.Met1189Thr; replaces methionine 1189 with threonine.
Molecular consequence: missense variant.
Genome position (GRCh38, 1-based): chr14:75,039,915, A>G on the plus strand (T>C on the coding strand, the complement: MLH3 is on the minus strand). VCF-style: chr14-75039915-A-G. GRCh37 (hg19) VCF-style: chr14-75506618-A-G.
Other names: c.3566T>C, p.Met1189Thr (NM_014381.3); short protein forms M1189T.
Identifiers: ClinVar variation 3873538 (VCV003873538.1).
Genomic context (GRCh38, chr14:75,039,915, plus strand): 5'-ATATATATATATATATATATATATATATTTATGAGATTTTGAAGTTAATCTTTTACCTGC[A>G]TTGAATGAATCATTCCTTTGGTGAAACGATAGGGATACAAGATGTTGTGAATTTTAACTG-3'
Protein context (NP_001035197.1, residues 1179-1199): YRFTKGMIHS[Met1189Thr]QVLQQVDNKF